The following is an entry in ClinVar:

ClinVar aggregate classification (germline): Benign. Review status: criteria provided, multiple submitters, no conflicts (2 of 4 stars). 4 submissions from 4 submitters: Benign (4). Last evaluated 2026-07-01.

Allele frequency attached by ClinVar (database versions not stated): 1000 Genomes Project 0.00220; 1000 Genomes Project 30x 0.00234; TOPMed 0.00505; ExAC 0.00648; gnomAD exomes 0.00650 and 0.00918; ESP Exome Variant Server 0.00754; gnomAD 0.00813.
gnomAD v4.1: 14,310 of 1,612,502 alleles (0.89%); highest among the groups gnomAD compares: Non-Finnish European, 1%; 91 homozygotes.

Submissions (4):

CeGaT Center for Human Genetics Tuebingen
Classification: Benign. Last evaluated: 2026-07-01. Review status: criteria provided, single submitter. Criteria: CeGaT Center For Human Genetics Tuebingen Variant Classification Criteria Version 2. Collection method: clinical testing. Allele origin: germline. Affected: yes. Observed: 33 variant alleles.
Comment: USP7: BP4, BP7, BS1, BS2

Labcorp Genetics (formerly Invitae), Labcorp
Classification: Benign. Last evaluated: 2026-01-23. Review status: criteria provided, single submitter. Criteria: Invitae Variant Classification Sherloc (09022015). Collection method: clinical testing. Allele origin: germline.

Mayo Clinic Laboratories, Mayo Clinic
Classification: Benign. Last evaluated: 2023-06-01. Review status: criteria provided, single submitter. Criteria: ACMG Guidelines, 2015. Collection method: clinical testing. Allele origin: germline. Observed: 2 variant alleles.
Comment: BS1, BS2, BP4, BP7

Breakthrough Genomics
Classification: Benign. Review status: criteria provided, single submitter. Criteria: ACMG Guidelines, 2015. Collection method: not provided. Allele origin: germline. Inheritance: Autosomal dominant inheritance. Affected: yes.

NM_003470.3(USP7):c.2907G>A (p.Thr969=)

Gene: USP7 (ubiquitin specific peptidase 7; minus strand). Cytogenetic location: 16p13.2.
Variant type: single nucleotide variant.
Coding change: c.2907G>A on transcript NM_003470.3 (MANE Select); coding-DNA position 2907, G replaced by A.
Protein change: p.Thr969=; no amino-acid change (threonine 969 retained).
Molecular consequence: synonymous variant. On other transcripts: non-coding transcript variant (1).
Genome position (GRCh38, 1-based): chr16:8,895,654, C>T on the plus strand (G>A on the coding strand, the complement: USP7 is on the minus strand). VCF-style: chr16-8895654-C-T. GRCh37 (hg19) VCF-style: chr16-8989511-C-T.
Other names: p.Thr969=; c.2859G>A, p.Thr953= (NM_001286457.2); c.2610G>A, p.Thr870= (NM_001286458.2); c.2733G>A, p.Thr911= (NM_001321858.2).
Identifiers: ClinVar variation 771014 (VCV000771014.40), dbSNP rs61731196, ClinGen allele CA7894855.